The following is an entry in ClinVar:

NM_001042492.3(NF1):c.625C>T (p.Gln209Ter)

Gene: NF1 (neurofibromin 1; plus strand). Cytogenetic location: 17q11.2.
Variant type: single nucleotide variant.
Coding change: c.625C>T on transcript NM_001042492.3 (MANE Select); coding-DNA position 625, C replaced by T.
Protein change: p.Gln209Ter; replaces glutamine 209 with a stop codon.
Molecular consequence: nonsense.
Genome position (GRCh38, 1-based): chr17:31,181,460, C>T. VCF-style: chr17-31181460-C-T. GRCh37 (hg19) VCF-style: chr17-29508478-C-T.
Other names: c.625C>T, p.Gln209Ter (NM_000267.4, NM_001128147.3); short protein forms Q209*.
Identifiers: ClinVar variation 187069 (VCV000187069.12), dbSNP rs786203448, ClinGen allele CA196655.

ClinVar aggregate classification (germline): Pathogenic. Review status: criteria provided, multiple submitters, no conflicts (2 of 4 stars). 6 submissions from 6 submitters: Pathogenic (6). Last evaluated 2025-10-16.

Conditions:
Hereditary cancer-predisposing syndrome. Also called: Hereditary Cancer Syndrome; Neoplastic Syndromes, Hereditary; Tumor predisposition; Hereditary neoplastic syndrome. Identifiers: Orphanet 140162, MedGen C0027672, MeSH D009386, MONDO:0015356.
Neurofibromatosis, type 1 (NF1). Also called: NEUROFIBROMATOSIS, TYPE I, SOMATIC; VON RECKLINGHAUSEN DISEASE; Peripheral type neurofibromatosis; Neurofibromatosis, type I. Identifiers: Orphanet 636, MedGen C0027831, MONDO:0018975, OMIM 162200. Disease mechanism: loss of function.

Submissions (6):

Labcorp Genetics (formerly Invitae), Labcorp
Classification: Pathogenic for Neurofibromatosis, type 1. Last evaluated: 2025-10-16. Review status: criteria provided, single submitter. Criteria: Invitae Variant Classification Sherloc (09022015). Collection method: clinical testing. Allele origin: germline.
Comment: This sequence change creates a premature translational stop signal (p.Gln209*) in the NF1 gene. It is expected to result in an absent or disrupted protein product. Loss-of-function variants in NF1 are known to be pathogenic (PMID: 10712197, 23913538). This variant is not present in population databases (gnomAD no frequency). This premature translational stop signal has been observed in individual(s) with neurofibromatosis, type 1 (PMID: 25480383, 26380986). Invitae Evidence Modeling of clinical and family history, age, sex, and reported ancestry of multiple individuals with this NF1 variant has been performed. This variant is expected to be pathogenic with a positive predictive value of at least 99%. This is a validated machine learning model that incorporates the clinical features of 1,785,918 individuals referred to our laboratory for NF1 testing. ClinVar contains an entry for this variant (Variation ID: 187069). For these reasons, this variant has been classified as Pathogenic.

Division of Human Genetics, National Health Laboratory Service/University of the Witwatersrand
Classification: Pathogenic for Neurofibromatosis, type 1. Last evaluated: 2023-07-01. Review status: criteria provided, single submitter. Criteria: ACMG Guidelines, 2015. Collection method: research. Allele origin: germline. Affected: yes.

Genome-Nilou Lab
Classification: Pathogenic for Neurofibromatosis, type 1. Last evaluated: 2022-03-15. Review status: criteria provided, single submitter. Criteria: ACMG Guidelines, 2015. Collection method: clinical testing. Allele origin: germline. Affected: no.

Division of Genomic Medicine, Department of Advanced Medicine, Medical Research Institute, Kanazawa Medical University
Classification: Pathogenic for Neurofibromatosis, type 1. Last evaluated: 2021-02-03. Review status: criteria provided, single submitter. Criteria: ACMG Guidelines, 2015. Collection method: clinical testing. Allele origin: germline. Affected: yes. Observed: 3 variant alleles.

Programa de Pós-Graduação em Ciências Genômicas e Biotecnologia, Universidade Católica de Brasília
Classification: Pathogenic for Neurofibromatosis-Noonan syndrome. Last evaluated: 2015-04-01. Review status: criteria provided, single submitter. Criteria: Submitter's publication. Collection method: research. Allele origin: inherited. Affected: yes.

Ambry Genetics
Classification: Pathogenic for Hereditary cancer-predisposing syndrome. Last evaluated: 2014-11-04. Review status: criteria provided, single submitter. Criteria: Ambry Autosomal Dominant and X-Linked criteria (10/2015). Collection method: clinical testing. Allele origin: germline. Observed: 1 variant allele.
Comment: The p.Q209* pathogenic mutation (also known as c.625C>T), located in coding exon 6 of the NF1 gene, results from a C to T substitution at nucleotide position 625. This changes the amino acid from a glutamine to a stop codon within coding exon 6. <span data-redactor="verified" style="background-color: initial;">Since premature stop codons are typically deleterious in nature, this alteration is interpreted as a disease-causing mutation (ACMG Recommendations for Standards for Interpretation and Reporting of Sequence Variations. Revision 2007. Genet Med. 2008;10:294).

Literature cited by the submitters: PubMed 10712197 (cited by Labcorp Genetics (formerly Invitae), Labcorp); PubMed 23913538 (cited by Labcorp Genetics (formerly Invitae), Labcorp); PubMed 25480383 (cited by Labcorp Genetics (formerly Invitae), Labcorp); PubMed 26380986 (cited by Labcorp Genetics (formerly Invitae), Labcorp); PubMed 12095621 (cited by Ambry Genetics).